The following is an entry in ClinVar:

NM_001370259.2(MEN1):c.1663A>G (p.Ser555Gly)

Gene: MEN1 (menin 1; minus strand). Cytogenetic location: 11q13.1.
Variant type: single nucleotide variant.
Coding change: c.1663A>G on transcript NM_001370259.2 (MANE Select); coding-DNA position 1663, A replaced by G.
Protein change: p.Ser555Gly; replaces serine 555 with glycine.
Molecular consequence: missense variant. On other transcripts: non-coding transcript variant (4).
Genome position (GRCh38, 1-based): chr11:64,804,504, T>C on the plus strand (A>G on the coding strand, the complement: MEN1 is on the minus strand). VCF-style: chr11-64804504-T-C. GRCh37 (hg19) VCF-style: chr11-64571976-T-C.
Other names: c.1678A>G, p.Ser560Gly (NM_000244.4, NM_130800.3, NM_130801.3 and 4 more transcripts); c.1789A>G, p.Ser597Gly (NM_001370251.2, NM_001407142.1, NM_001407143.1 and 1 more transcripts); c.1663A>G, p.Ser555Gly (NM_001370260.2, NM_001370261.2, NM_130799.3 and 2 more transcripts); c.1558A>G, p.Ser520Gly (NM_001370262.2, NM_001370263.2, NM_001407148.1 and 1 more transcripts); c.1684A>G, p.Ser562Gly (NM_001407151.1); c.1498A>G, p.Ser500Gly (NM_001407152.1); c.1804A>G, p.Ser602Gly (NM_001407150.1); short protein forms S520G, S597G, S602G, S560G, S500G, S555G, S562G.
Identifiers: ClinVar variation 2862006 (VCV002862006.3), dbSNP rs2497107321, ClinGen allele CA381177806.

ClinVar aggregate classification (germline): Likely pathogenic (1 of 4 stars; one submission).

Conditions:
Multiple endocrine neoplasia, type 1 (MEN1). Also called: MEA I; MEN I; WERMER SYNDROME; Endocrine adenomatosis multiple; MEN 1. Identifiers: Orphanet 652, MedGen C0025267, MeSH D018761, MONDO:0007540, OMIM 131100.

Submission:

Labcorp Genetics (formerly Invitae), Labcorp
Classification: Likely pathogenic for Multiple endocrine neoplasia, type 1. Last evaluated: 2023-05-05. Review status: criteria provided, single submitter. Criteria: Invitae Variant Classification Sherloc (09022015). Collection method: clinical testing. Allele origin: germline.
Comment: This sequence change replaces serine, which is neutral and polar, with glycine, which is neutral and non-polar, at codon 555 of the MEN1 protein (p.Ser555Gly). This variant is not present in population databases (gnomAD no frequency). This variant has not been reported in the literature in individuals affected with MEN1-related conditions. Advanced modeling of protein sequence and biophysical properties (such as structural, functional, and spatial information, amino acid conservation, physicochemical variation, residue mobility, and thermodynamic stability) performed at Invitae indicates that this missense variant is expected to disrupt MEN1 protein function. This variant disrupts the p.Ser555 amino acid residue in MEN1. Other variant(s) that disrupt this residue have been determined to be pathogenic (PMID: 9683585, 15254225, 21819486). This suggests that this residue is clinically significant, and that variants that disrupt this residue are likely to be disease-causing. In summary, the currently available evidence indicates that the variant is pathogenic, but additional data are needed to prove that conclusively. Therefore, this variant has been classified as Likely Pathogenic.

Literature cited by the submitters: PubMed 9683585; PubMed 15254225; PubMed 21819486.